The following is an entry in ClinVar:

NM_001013703.4(EIF2AK4):c.1576_1580del (p.Glu526fs)

Gene: EIF2AK4 (eukaryotic translation initiation factor 2 alpha kinase 4; plus strand). Cytogenetic location: 15q15.1.
Variant type: Deletion.
Coding change: c.1576_1580del on transcript NM_001013703.4 (MANE Select); coding-DNA positions 1576 to 1580, 5 bases deleted (GAAAG; older notation c.1576_1580delGAAAG).
Protein change: p.Glu526fs; shifts the reading frame from glutamic acid 526.
Molecular consequence: frameshift variant.
Genome position (GRCh38, 1-based): chr15:39,972,930-39,972,934, GAAAG deleted; deleting any 5 consecutive bases within chr15:39,972,927-39,972,934 gives the same sequence; the c. name uses the placement nearest the transcript's 3' end. VCF-style (leftmost placement, unchanged base first): chr15-39972926-CAAGGA-C. GRCh37 (hg19) VCF-style: chr15-40265127-CAAGGA-C.
Other names: short protein forms E526fs.
Identifiers: ClinVar variation 450448 (VCV000450448.2), dbSNP rs1555417104, ClinGen allele CA658658282.

ClinVar aggregate classification (germline): Likely pathogenic (1 of 4 stars; one submission).

Submission:

GeneDx
Classification: Likely pathogenic. Last evaluated: 2017-07-07. Review status: criteria provided, single submitter. Criteria: GeneDx Variant Classification (06012015). Collection method: clinical testing. Allele origin: germline. Affected: yes.
Comment: The c.1576_1580delGAAAG variant in the EIF2AK4 gene has not been reported previously as a pathogenic variant nor as a benign variant, to our knowledge. The c.1576_1580delGAAAG variant causes a frameshift starting with codon Glutamic acid 526, changes this amino acid to a Methionine residue, and creates a premature Stop codon at position 26 of the new reading frame, denoted p.Glu526MetfsX26. This variant is predicted to cause loss of normal protein function either through protein truncation or nonsense-mediated mRNA decay. The c.1576_1580delGAAAG variant is not observed in large population cohorts (Lek et al., 2016; 1000 Genomes Consortium et al., 2015; Exome Variant Server). We interpret c.1576_1580delGAAAG as a likely pathogenic variant.